The following is an entry in ClinVar:

NM_000780.4(CYP7A1):c.568A>G (p.Arg190Gly)

Gene: CYP7A1 (cytochrome P450 family 7 subfamily A member 1; minus strand). Cytogenetic location: 8q12.1.
Variant type: single nucleotide variant.
Coding change: c.568A>G on transcript NM_000780.4 (MANE Select); coding-DNA position 568, A replaced by G.
Protein change: p.Arg190Gly; replaces arginine 190 with glycine.
Molecular consequence: missense variant.
Genome position (GRCh38, 1-based): chr8:58,496,944, T>C on the plus strand (A>G on the coding strand, the complement: CYP7A1 is on the minus strand). VCF-style: chr8-58496944-T-C. GRCh37 (hg19) VCF-style: chr8-59409503-T-C.
Other names: short protein forms R190G.
Identifiers: ClinVar variation 3499399 (VCV003499399.2).

ClinVar aggregate classification (germline): Uncertain significance. Review status: criteria provided, multiple submitters, no conflicts (2 of 4 stars). 2 submissions from 2 submitters: Uncertain significance (2). Last evaluated 2025-05-26.

gnomAD v4.1: 32 of 1,614,080 alleles (0.002%); highest among the groups gnomAD compares: Non-Finnish European, 0.0024%; no homozygotes.

Submissions (2):

Labcorp Genetics (formerly Invitae), Labcorp
Classification: Uncertain significance. Last evaluated: 2025-05-26. Review status: criteria provided, single submitter. Criteria: Invitae Variant Classification Sherloc (09022015). Collection method: clinical testing. Allele origin: germline.
Comment: This sequence change replaces arginine, which is basic and polar, with glycine, which is neutral and non-polar, at codon 190 of the CYP7A1 protein (p.Arg190Gly). This variant is present in population databases (rs749290143, gnomAD 0.005%). This variant has not been reported in the literature in individuals affected with CYP7A1-related conditions. ClinVar contains an entry for this variant (Variation ID: 3499399). Invitae Evidence Modeling of protein sequence and biophysical properties (such as structural, functional, and spatial information, amino acid conservation, physicochemical variation, residue mobility, and thermodynamic stability) indicates that this missense variant is not expected to disrupt CYP7A1 protein function with a negative predictive value of 80%. In summary, the available evidence is currently insufficient to determine the role of this variant in disease. Therefore, it has been classified as a Variant of Uncertain Significance.

Ambry Genetics
Classification: Uncertain significance. Last evaluated: 2024-06-25. Review status: criteria provided, single submitter. Criteria: Ambry Variant Classification Scheme 2023. Collection method: clinical testing. Allele origin: germline.